The following is an entry in ClinVar:

NM_015570.4(AUTS2):c.2845del (p.Val949fs)

Gene: AUTS2 (activator of transcription and developmental regulator AUTS2; plus strand). Cytogenetic location: 7q11.22.
Variant type: Deletion.
Coding change: c.2845del on transcript NM_015570.4 (MANE Select); coding-DNA position 2845, one base deleted (G; older notation c.2845delG).
Protein change: p.Val949fs; shifts the reading frame from valine 949.
Molecular consequence: frameshift variant.
Genome position (GRCh38, 1-based): chr7:70,790,061, G deleted; the last of 2 consecutive G bases (chr7:70,790,060-70,790,061); deleting either gives the same sequence. VCF-style (leftmost placement, unchanged base first): chr7-70790059-TG-T. GRCh37 (hg19) VCF-style: chr7-70255045-TG-T.
Other names: c.2773del, p.Val925fs (NM_001127231.3); c.2845delG (NM_015570.2); c.2845del (NM_015570.2); short protein forms V925fs, V949fs.
Identifiers: ClinVar variation 817745 (VCV000817745.4), dbSNP rs1585701007, ClinGen allele CA915944932.

ClinVar aggregate classification (germline): Likely pathogenic (1 of 4 stars; one submission).

Submission:

GeneDx
Classification: Likely pathogenic. Last evaluated: 2026-10-17. Review status: criteria provided, single submitter. Criteria: GeneDx Variant Classification Process June 2021. Collection method: clinical testing. Allele origin: germline.
Comment: Frameshift variant predicted to result in abnormal protein length as the last 311 amino acid(s) are replaced with 33 different amino acid(s), and other similar variants have been reported in HGMD; Not observed at significant frequency in large population cohorts (gnomAD); Has not been previously published as pathogenic or benign to our knowledge